The following is an entry in ClinVar:

NM_000431.3(MVK):c.-178A>G

Genes: MMAB (metabolism of cobalamin associated B; minus strand), MVK (mevalonate kinase; plus strand). Cytogenetic location: 12q24.11.
Variant type: single nucleotide variant.
Coding change: c.-178A>G on transcript NM_000431.3; 178 bases upstream of the start codon, A replaced by G.
Genome position (GRCh38, 1-based): chr12:109,573,710, A>G. VCF-style: chr12-109573710-A-G. GRCh37 (hg19) VCF-style: chr12-110011515-A-G.
Other names: c.-178A>G (NM_000431.2).
Identifiers: ClinVar variation 307086 (VCV000307086.14), dbSNP rs67606936, ClinGen allele CA10636407.

ClinVar aggregate classification (germline): Conflicting classifications of pathogenicity. Review status: criteria provided, conflicting classifications (1 of 4 stars). 5 submissions from 4 submitters: Uncertain significance (1); Benign (2); Likely benign (2). Last evaluated 2018-07-10.

Conditions:
Autoinflammatory syndrome. Identifiers: Orphanet 93665, MedGen C3890737, MONDO:0019751.
Mevalonic aciduria (MEVA). Identifiers: Orphanet 29, MedGen C1959626, MONDO:0012481, OMIM 610377.
Hyperimmunoglobulin D with periodic fever (HIDS). Also called: Hyperimmunoglobulinemia D with periodic fever; Hyperimmunoglobulinemia D; HYPERIMMUNOGLOBULINEMIA D AND PERIODIC FEVER SYNDROME. Identifiers: Orphanet 343, MedGen C0398691, MONDO:0009849, OMIM 260920.

Allele frequency attached by ClinVar (database versions not stated): gnomAD exomes 0.00830; 1000 Genomes Project 0.01498; gnomAD 0.00444 and 0.00551; 1000 Genomes Project 30x 0.01530; TOPMed 0.00521.

Submissions (5):

GeneDx
Classification: Likely benign. Last evaluated: 2018-07-10. Review status: criteria provided, single submitter. Criteria: GeneDx Variant Classification Process June 2021. Collection method: clinical testing. Allele origin: germline. Affected: yes.

Illumina Laboratory Services, Illumina
Classification: Benign for Hyperimmunoglobulin D with periodic fever. Last evaluated: 2018-01-12. Review status: criteria provided, single submitter. Criteria: ICSL Variant Classification Criteria 13 December 2019. Collection method: clinical testing. Allele origin: germline.
Comment: This variant was observed in the ICSL laboratory as part of a predisposition screen in an ostensibly healthy population. It had not been previously curated by ICSL or reported in the Human Gene Mutation Database (HGMD: prior to June 1st, 2018), and was therefore a candidate for classification through an automated scoring system. Utilizing variant allele frequency, disease prevalence and penetrance estimates, and inheritance mode, an automated score was calculated to assess if this variant is too frequent to cause the disease. Based on the score and internal cut-off values, a variant classified as benign is not then subjected to further curation. The score for this variant resulted in a classification of benign for this disease.

Illumina Laboratory Services, Illumina
Classification: Benign for Mevalonic aciduria. Last evaluated: 2018-01-12. Review status: criteria provided, single submitter. Criteria: ICSL Variant Classification Criteria 13 December 2019. Collection method: clinical testing. Allele origin: germline.
Comment: the same text as in the submission from Illumina Laboratory Services, Illumina above.

Genome Diagnostics Laboratory, The Hospital for Sick Children
Classification: Uncertain significance for Autoinflammatory syndrome. Last evaluated: 2016-12-20. Review status: criteria provided, single submitter. Criteria: ACMG Guidelines, 2015. Collection method: clinical testing. Allele origin: germline. Affected: yes.

Breakthrough Genomics
Classification: Likely benign. Review status: criteria provided, single submitter. Criteria: ACMG Guidelines, 2015. Collection method: not provided. Allele origin: germline. Inheritance: Autosomal recessive inheritance. Affected: yes.